The following is an entry in ClinVar:

NM_001048174.2(MUTYH):c.1017del (p.Arg340fs)

Gene: MUTYH (mutY DNA glycosylase; minus strand). Cytogenetic location: 1p34.1.
Variant type: Deletion.
Coding change: c.1017del on transcript NM_001048174.2 (MANE Select); coding-DNA position 1017, one base deleted (C; older notation c.1017delC).
Protein change: p.Arg340fs; shifts the reading frame from arginine 340.
Molecular consequence: frameshift variant. On other transcripts: non-coding transcript variant (2).
Genome position (GRCh38, 1-based): chr1:45,331,746, G deleted on the plus strand (C on the coding strand, the reverse complement: MUTYH is on the minus strand); the first of 6 consecutive G bases (chr1:45,331,746-45,331,751); deleting any one gives the same sequence. VCF-style (leftmost placement, unchanged base first): chr1-45331745-TG-T. GRCh37 (hg19) VCF-style: chr1-45797417-TG-T.
Other names: c.1101delC (NM_001128425.1); c.1017del, p.Arg340fs (NM_001048171.2, NM_001048173.2, NM_001293195.2); c.1020del, p.Arg341fs (NM_001048172.2); c.1101del, p.Arg368fs (NM_001128425.2); c.1062del, p.Arg355fs (NM_001293190.2); c.1050del, p.Arg351fs (NM_001293191.2); c.741del, p.Arg248fs (NM_001293192.2, NM_001293196.2); c.672del, p.Arg225fs (NM_001350650.2, NM_001350651.2); and 1 more; short protein forms R368fs, R225fs, R340fs, R341fs, R248fs, R351fs, R355fs, R365fs.
Identifiers: ClinVar variation 491999 (VCV000491999.20), dbSNP rs768130289, ClinGen allele CA522810414.

ClinVar aggregate classification (germline): Pathogenic. Review status: criteria provided, multiple submitters, no conflicts (2 of 4 stars). 5 submissions from 5 submitters: Pathogenic (5). Last evaluated 2025-08-20.

Conditions:
Hereditary cancer-predisposing syndrome. Also called: Hereditary neoplastic syndrome; Hereditary Cancer Syndrome; Neoplastic Syndromes, Hereditary; Tumor predisposition. Identifiers: Orphanet 140162, MedGen C0027672, MeSH D009386, MONDO:0015356.
Familial adenomatous polyposis 2. Also called: MYH-associated polyposis; COLORECTAL ADENOMATOUS POLYPOSIS, AUTOSOMAL RECESSIVE; ADENOMAS, MULTIPLE COLORECTAL, AUTOSOMAL RECESSIVE; MUTYH-related attenuated familial adenomatous polyposis; Adenomas, multiple colorectal; FAP type 2. Identifiers: Orphanet 220460, Orphanet 247798, MedGen C3272841, MONDO:0012041, OMIM 608456.

Submissions (5):

Labcorp Genetics (formerly Invitae), Labcorp
Classification: Pathogenic for Familial adenomatous polyposis 2. Last evaluated: 2025-08-20. Review status: criteria provided, single submitter. Criteria: Invitae Variant Classification Sherloc (09022015). Collection method: clinical testing. Allele origin: germline.
Comment: This sequence change creates a premature translational stop signal (p.Arg368Glyfs*40) in the MUTYH gene. It is expected to result in an absent or disrupted protein product. Loss-of-function variants in MUTYH are known to be pathogenic (PMID: 18534194, 20663686). This variant is present in population databases (no rsID available, gnomAD 0.0009%). This premature translational stop signal has been observed in individual(s) with MUTYH-associated polyposis (PMID: 18515411, 19732775). This variant is also known as c.1092delC. ClinVar contains an entry for this variant (Variation ID: 491999). For these reasons, this variant has been classified as Pathogenic.

Molecular Pathology, Peter Maccallum Cancer Centre
Classification: Pathogenic for Familial adenomatous polyposis 2. Last evaluated: 2024-11-21. Review status: criteria provided, single submitter. Criteria: ACMG Guidelines, 2015. Collection method: clinical testing. Allele origin: germline. Inheritance: Autosomal recessive inheritance.

All of Us Research Program, National Institutes of Health
Classification: Pathogenic for Familial adenomatous polyposis 2. Last evaluated: 2023-03-09. Review status: criteria provided, single submitter. Criteria: ACMG Guidelines, 2015. Collection method: clinical testing. Allele origin: germline. Inheritance: Autosomal recessive inheritance. Observed: 1 variant allele, 1 heterozygote.
Comment: This variant deletes 1 nucleotide in exon 12 of the MUTYH gene, creating a frameshift and premature translation stop signal. This variant is expected to result in an absent or non-functional protein product. This variant has been reported in individuals affected with MUTYH-associated polyposis and/or colorectal cancer (PMID: 18515411, 19032956, 19732775, 20687945). In one of these affected individuals, this variant has been determined to be compound heterozygous with another pathogenic variant in the same gene (PMID: 19732775), indicating that this variant contributes to MUTYH-associated polyposis in an autosomal recessive manner. This variant has been identified in 1/250124 chromosomes in the general population by the Genome Aggregation Database (gnomAD). Loss of MUTYH function is a known mechanism of disease. Based on the available evidence, this variant is classified as Pathogenic.

This study involves interpretation of variants in research participants for the purpose of population health screening. Participant phenotype was not available at the time of variant classification. Additional details can be found in publication PMID: 35346344, PMCID: PMC8962531

Color Diagnostics, LLC DBA Color Health
Classification: Pathogenic for Hereditary cancer-predisposing syndrome. Last evaluated: 2023-02-01. Review status: criteria provided, single submitter. Criteria: ACMG Guidelines, 2015. Collection method: clinical testing. Allele origin: germline.
Comment: This variant deletes 1 nucleotide in exon 12 of the MUTYH gene, creating a frameshift and premature translation stop signal. This variant is expected to result in an absent or non-functional protein product. This variant has been reported in individuals affected with MUTYH-associated polyposis and/or colorectal cancer (PMID: 18515411, 19032956, 19732775, 20687945). In one of these affected individuals, this variant has been determined to be compound heterozygous with another pathogenic variant in the same gene (PMID: 19732775), indicating that this variant contributes to MUTYH-associated polyposis in an autosomal recessive manner. This variant has been identified in 1/250124 chromosomes in the general population by the Genome Aggregation Database (gnomAD). Loss of MUTYH function is a known mechanism of disease. Based on the available evidence, this variant is classified as Pathogenic.

Ambry Genetics
Classification: Pathogenic for Hereditary cancer-predisposing syndrome. Last evaluated: 2022-09-15. Review status: criteria provided, single submitter. Criteria: Ambry Variant Classification Scheme 2023. Collection method: clinical testing. Allele origin: germline.
Comment: The c.1101delC pathogenic mutation, located in coding exon 12 of the MUTYH gene, results from a deletion of one nucleotide at nucleotide position 1101, causing a translational frameshift with a predicted alternate stop codon (p.R368Gfs*40). This alteration has been previously identified in conjunction with another pathogenic MUTYH mutation in 2 unrelated individuals with colorectal adenomas and/or colorectal cancer (Dallosso AR et al. Gut, 2008 Sep;57:1252-5; Vogt S et al. Gastroenterology, 2009 Dec;137:1976-85.e1-10). This variant is considered to be rare based on population cohorts in the Genome Aggregation Database (gnomAD). In addition to the clinical data presented in the literature, this alteration is expected to result in loss of function by premature protein truncation or nonsense-mediated mRNA decay. As such, this alteration is interpreted as a disease-causing mutation.

Literature cited by the submitters: PubMed 18534194 (cited by Labcorp Genetics (formerly Invitae), Labcorp); PubMed 20663686 (cited by Labcorp Genetics (formerly Invitae), Labcorp); PubMed 18515411 (cited by 4 submitters); PubMed 19732775 (cited by 4 submitters); PubMed 19032956 (cited by All of Us Research Program, National Institutes of Health and Color Diagnostics, LLC DBA Color Health); PubMed 20687945 (cited by All of Us Research Program, National Institutes of Health and Color Diagnostics, LLC DBA Color Health).